The following is an entry in ClinVar:

NC_000007.13:g.(?_100401083)_(100420309_?)del

Gene: EPHB4 (EPH receptor B4; minus strand). Cytogenetic location: 7q22.1.
Variant type: Deletion.
Identifiers: ClinVar variation 3245882 (VCV003245882.1).

ClinVar aggregate classification (germline): Pathogenic (1 of 4 stars; one submission).

Submission:

Labcorp Genetics (formerly Invitae), Labcorp
Classification: Pathogenic. Last evaluated: 2022-10-29. Review status: criteria provided, single submitter. Criteria: Invitae Variant Classification Sherloc (09022015). Collection method: clinical testing. Allele origin: unknown.
Comment: For these reasons, this variant has been classified as Pathogenic. This variant disrupts a region of the EPHB4 protein in which other variant(s) (p.Leu494Pro) have been determined to be pathogenic (Invitae). This suggests that this is a clinically significant region of the protein, and that variants that disrupt it are likely to be disease-causing. This variant has not been reported in the literature in individuals affected with EPHB4-related conditions. This variant is a gross deletion of the genomic region encompassing exon(s) 4-17 of the EPHB4 gene, which includes the termination codon. This deletion extends beyond the assayed region for this gene and therefore may encompass additional genes. While this deletion is not anticipated to lead to nonsense mediated decay, it is expected to alter mRNA translation or result in a truncated protein product.